The following is an entry in ClinVar:

NM_001283009.2(RTEL1):c.3878del (p.Gln1293fs)

Genes: RTEL1 (regulator of telomere elongation helicase 1; plus strand), RTEL1-TNFRSF6B (RTEL1-TNFRSF6B readthrough (NMD candidate); plus strand). Cytogenetic location: 20q13.33.
Variant type: Deletion.
Coding change: c.3878del on transcript NM_001283009.2 (MANE Select); coding-DNA position 3878, one base deleted (A; older notation c.3878delA).
Protein change: p.Gln1293fs; shifts the reading frame from glutamine 1293.
Molecular consequence: frameshift variant. On other transcripts: non-coding transcript variant (1), 3 prime UTR variant (3).
Genome position (GRCh38, 1-based): chr20:63,695,833, A deleted. VCF-style (leftmost placement, unchanged base first): chr20-63695832-CA-C. GRCh37 (hg19) VCF-style: chr20-62327185-CA-C.
Other names: c.*48del (NM_001283010.1, NM_016434.4, NM_032957.5); short protein forms Q1293fs.
Identifiers: ClinVar variation 2940441 (VCV002940441.3), dbSNP rs2517207202, ClinGen allele CA2740094691.

ClinVar aggregate classification (germline): Uncertain significance (1 of 4 stars; one submission).

Conditions:
Dyskeratosis congenita, autosomal recessive 5 (DKCB5). Identifiers: MedGen C3554656, MONDO:0014076, OMIM 615190.
Pulmonary fibrosis and/or bone marrow failure, Telomere-related, 3. Also called: PULMONARY FIBROSIS AND/OR BONE MARROW FAILURE SYNDROME, TELOMERE-RELATED, 3. Identifiers: Orphanet 2032, MedGen C4225346, MONDO:0014613, OMIM 616373.

Submission:

Labcorp Genetics (formerly Invitae), Labcorp
Classification: Uncertain significance for Dyskeratosis congenita, autosomal recessive 5; Pulmonary fibrosis and/or bone marrow failure, Telomere-related, 3. Last evaluated: 2023-04-04. Review status: criteria provided, single submitter. Criteria: Invitae Variant Classification Sherloc (09022015). Collection method: clinical testing. Allele origin: germline.
Comment: In summary, the available evidence is currently insufficient to determine the role of this variant in disease. Therefore, it has been classified as a Variant of Uncertain Significance. Experimental studies and prediction algorithms are not available or were not evaluated, and the functional significance of this variant is currently unknown. This variant has not been reported in the literature in individuals affected with RTEL1-related conditions. This variant is not present in population databases (gnomAD no frequency). This sequence change results in a frameshift in the RTEL1 gene (p.Gln1293Argfs*71). While this is not anticipated to result in nonsense mediated decay, it is expected to disrupt the last 8 amino acid(s) of the RTEL1 protein and extend the protein by 62 additional amino acid residues.